The following is an entry in ClinVar:

ClinVar aggregate classification (germline): Uncertain significance (1 of 4 stars; one submission).

Conditions:
Autosomal dominant limb-girdle muscular dystrophy type 1G (LGMDD3). Also called: Limb-girdle muscular dystrophy, type 1G; MUSCULAR DYSTROPHY, LIMB-GIRDLE, AUTOSOMAL DOMINANT 3. Identifiers: Orphanet 55596, MedGen C1836765, MONDO:0012193, OMIM 609115.

Submission:

Labcorp Genetics (formerly Invitae), Labcorp
Classification: Uncertain significance for Autosomal dominant limb-girdle muscular dystrophy type 1G. Last evaluated: 2020-04-27. Review status: criteria provided, single submitter. Criteria: Invitae Variant Classification Sherloc (09022015). Collection method: clinical testing. Allele origin: germline.
Comment: In summary, the available evidence is currently insufficient to determine the role of this variant in disease. Therefore, it has been classified as a Variant of Uncertain Significance. The current clinical and genetic evidence is not sufficient to establish whether loss-of-function variants in HNRNPDL cause disease. This variant has not been reported in the literature in individuals with HNRNPDL-related conditions. This variant is not present in population databases (ExAC no frequency). This sequence change creates a premature translational stop signal (p.Phe86Profs*5) in the HNRNPDL gene. It is expected to result in an absent or disrupted protein product.

NM_031372.4(HNRNPDL):c.255_256del (p.Phe86fs)

Gene: HNRNPDL (heterogeneous nuclear ribonucleoprotein D like; minus strand). Cytogenetic location: 4q21.22.
Variant type: Microsatellite.
Coding change: c.255_256del on transcript NM_031372.4 (MANE Select); coding-DNA positions 255 to 256, 2 bases deleted (CT; older notation c.255_256delCT).
Protein change: p.Phe86fs; shifts the reading frame from phenylalanine 86.
Molecular consequence: frameshift variant. On other transcripts: non-coding transcript variant (1).
Genome position (GRCh38, 1-based): chr4:82,429,435-82,429,436, AG deleted on the plus strand (CT on the coding strand, the reverse complement: HNRNPDL is on the minus strand); deleting any 2 consecutive bases within chr4:82,429,435-82,429,439 gives the same sequence; the c. name uses the placement nearest the transcript's 3' end. VCF-style (leftmost placement, unchanged base first): chr4-82429434-AAG-A. GRCh37 (hg19) VCF-style: chr4-83350587-AAG-A.
Other names: c.255_256del, p.Phe86fs (NM_001207000.1); short protein forms F86fs.
Identifiers: ClinVar variation 1062242 (VCV001062242.7), dbSNP rs2110031374, ClinGen allele CA2554119614.